The following is an entry in ClinVar:

ClinVar aggregate classification (germline): Pathogenic (1 of 4 stars; one submission).

Conditions:
Intellectual developmental disorder 61. Also called: INTELLECTUAL DEVELOPMENTAL DISORDER, AUTOSOMAL DOMINANT 61; MENTAL RETARDATION, AUTOSOMAL DOMINANT 61. Identifiers: MedGen C5231400, MONDO:0032485, OMIM 618009.

Submission:

Genetics Laboratory, UDIAT-Centre Diagnòstic, Hospital Universitari Parc Tauli
Classification: Pathogenic for Intellectual developmental disorder 61. Last evaluated: 2022-10-04. Review status: criteria provided, single submitter. Criteria: Parc Tauli Hospital Assertion Criteria 2021. Collection method: clinical testing. Allele origin: de novo. Inheritance: Autosomal dominant inheritance. Affected: yes.
Comment: PVS1;PM2_supporting;PM6

NM_005121.3(MED13):c.2593_2594del (p.Gly865fs)

Gene: MED13 (mediator complex subunit 13; minus strand). Cytogenetic location: 17q23.2.
Variant type: Deletion.
Coding change: c.2593_2594del on transcript NM_005121.3 (MANE Select); coding-DNA positions 2593 to 2594, 2 bases deleted (GG; older notation c.2593_2594delGG).
Protein change: p.Gly865fs; shifts the reading frame from glycine 865.
Molecular consequence: frameshift variant.
Genome position (GRCh38, 1-based): chr17:61,984,748-61,984,749, CC deleted on the plus strand (GG on the coding strand, the reverse complement: MED13 is on the minus strand). VCF-style (leftmost placement, unchanged base first): chr17-61984747-TCC-T. GRCh37 (hg19) VCF-style: chr17-60062108-TCC-T.
Other names: short protein forms G865fs.
Identifiers: ClinVar variation 1708262 (VCV001708262.2), dbSNP rs2509281902, ClinGen allele CA2580094531.